The following is an entry in ClinVar:

ClinVar aggregate classification (germline): Uncertain significance (1 of 4 stars; one submission).

Conditions:
Neuropathy, hereditary sensory and autonomic, type 2A (HSAN2A). Also called: ACROOSTEOLYSIS, GIACCAI TYPE; ACROOSTEOLYSIS, NEUROGENIC; MORVAN DISEASE; NEUROPATHY, CONGENITAL SENSORY; NEUROPATHY, HEREDITARY SENSORY RADICULAR, AUTOSOMAL RECESSIVE; NEUROPATHY, HEREDITARY SENSORY, TYPE IIA. Identifiers: Orphanet 970, MedGen C2752089, MONDO:0024309, OMIM 201300.
Generalized epilepsy with febrile seizures plus, type 7 (GEFSP7). Also called: GEFS+, TYPE 7. Identifiers: Orphanet 36387, MedGen C2751778, MONDO:0013470, OMIM 613863.

Allele frequency attached by ClinVar (database versions not stated): gnomAD exomes below 0.00001.
gnomAD v4.1: 1 of 1,553,488 alleles (0.000064%); highest among the groups gnomAD compares: Non-Finnish European, 0.000087%; no homozygotes.

Submission:

Labcorp Genetics (formerly Invitae), Labcorp
Classification: Uncertain significance for Neuropathy, hereditary sensory and autonomic, type 2A; Generalized epilepsy with febrile seizures plus, type 7. Last evaluated: 2023-07-26. Review status: criteria provided, single submitter. Criteria: Invitae Variant Classification Sherloc (09022015). Collection method: clinical testing. Allele origin: germline.
Comment: This sequence change replaces alanine, which is neutral and non-polar, with threonine, which is neutral and polar, at codon 444 of the SCN9A protein (p.Ala444Thr). This variant is not present in population databases (gnomAD no frequency). This variant has not been reported in the literature in individuals affected with SCN9A-related conditions. Advanced modeling of protein sequence and biophysical properties (such as structural, functional, and spatial information, amino acid conservation, physicochemical variation, residue mobility, and thermodynamic stability) has been performed at Invitae for this missense variant, however the output from this modeling did not meet the statistical confidence thresholds required to predict the impact of this variant on SCN9A protein function. In summary, the available evidence is currently insufficient to determine the role of this variant in disease. Therefore, it has been classified as a Variant of Uncertain Significance.

NM_001365536.1(SCN9A):c.1330G>A (p.Ala444Thr)

Genes: SCN1A-AS1 (SCN1A and SCN9A antisense RNA 1; plus strand), SCN9A (sodium voltage-gated channel alpha subunit 9; minus strand). Cytogenetic location: 2q24.3.
Variant type: single nucleotide variant.
Coding change: c.1330G>A on transcript NM_001365536.1 (MANE Select); coding-DNA position 1330, G replaced by A.
Protein change: p.Ala444Thr; replaces alanine 444 with threonine.
Molecular consequence: missense variant.
Genome position (GRCh38, 1-based): chr2:166,286,608, C>T on the plus strand (G>A on the coding strand, the complement: SCN9A is on the minus strand). VCF-style: chr2-166286608-C-T. GRCh37 (hg19) VCF-style: chr2-167143118-C-T.
Other names: c.1330G>A, p.Ala444Thr (NM_002977.4); short protein forms A444T.
Identifiers: ClinVar variation 2950314 (VCV002950314.3), dbSNP rs2468041492, ClinGen allele CA349084982.